The following is an entry in ClinVar:

NM_001283009.2(RTEL1):c.2889G>C (p.Gln963His)

Genes: RTEL1 (regulator of telomere elongation helicase 1; plus strand), RTEL1-TNFRSF6B (RTEL1-TNFRSF6B readthrough (NMD candidate); plus strand). Cytogenetic location: 20q13.33.
Variant type: single nucleotide variant.
Coding change: c.2889G>C on transcript NM_001283009.2 (MANE Select); coding-DNA position 2889, G replaced by C.
Protein change: p.Gln963His; replaces glutamine 963 with histidine.
Molecular consequence: missense variant. On other transcripts: non-coding transcript variant (1).
Genome position (GRCh38, 1-based): chr20:63,693,180, G>C. VCF-style: chr20-63693180-G-C. GRCh37 (hg19) VCF-style: chr20-62324533-G-C.
Other names: c.2220G>C, p.Gln740His (NM_001283010.1); c.2889G>C, p.Gln963His (NM_016434.4); c.2961G>C, p.Gln987His (NM_032957.5); short protein forms Q740H, Q963H, Q987H.
Identifiers: ClinVar variation 1695603 (VCV001695603.4), dbSNP rs1274218203, ClinGen allele CA409683248.

ClinVar aggregate classification (germline): Uncertain significance. Review status: criteria provided, multiple submitters, no conflicts (2 of 4 stars). 3 submissions from 3 submitters: Uncertain significance (3). Last evaluated 2025-07-21.

Conditions:
Dyskeratosis congenita, autosomal recessive 5 (DKCB5). Identifiers: MedGen C3554656, MONDO:0014076, OMIM 615190.
Pulmonary fibrosis and/or bone marrow failure, Telomere-related, 3. Also called: PULMONARY FIBROSIS AND/OR BONE MARROW FAILURE SYNDROME, TELOMERE-RELATED, 3. Identifiers: Orphanet 2032, MedGen C4225346, MONDO:0014613, OMIM 616373.
Inborn genetic diseases. Identifiers: MedGen C0950123, MeSH D030342.

gnomAD v4.1: 3 of 1,612,078 alleles (0.00019%); highest among the groups gnomAD compares: Admixed American, 0.0017%; no homozygotes.

Submissions (3):

Labcorp Genetics (formerly Invitae), Labcorp
Classification: Uncertain significance for Dyskeratosis congenita, autosomal recessive 5; Pulmonary fibrosis and/or bone marrow failure, Telomere-related, 3. Last evaluated: 2025-07-21. Review status: criteria provided, single submitter. Criteria: Invitae Variant Classification Sherloc (09022015). Collection method: clinical testing. Allele origin: germline.
Comment: This sequence change replaces glutamine, which is neutral and polar, with histidine, which is basic and polar, at codon 963 of the RTEL1 protein (p.Gln963His). This variant is not present in population databases (gnomAD no frequency). This variant has not been reported in the literature in individuals affected with RTEL1-related conditions. ClinVar contains an entry for this variant (Variation ID: 1695603). An algorithm developed to predict the effect of missense changes on protein structure and function (PolyPhen-2) suggests that this variant is likely to be tolerated. In summary, the available evidence is currently insufficient to determine the role of this variant in disease. Therefore, it has been classified as a Variant of Uncertain Significance.

Ambry Genetics
Classification: Uncertain significance for Inborn genetic diseases. Last evaluated: 2025-01-08. Review status: criteria provided, single submitter. Criteria: Ambry Variant Classification Scheme 2023. Collection method: clinical testing. Allele origin: germline.
Comment: The p.Q963H variant (also known as c.2889G>C), located in coding exon 29 of the RTEL1 gene, results from a G to C substitution at nucleotide position 2889. The glutamine at codon 963 is replaced by histidine, an amino acid with highly similar properties. This amino acid position is conserved. In addition, this alteration is predicted to be tolerated by in silico analysis. Based on the available evidence, the clinical significance of this variant remains unclear.

GeneDx
Classification: Uncertain significance. Last evaluated: 2022-01-07. Review status: criteria provided, single submitter. Criteria: GeneDx Variant Classification Process June 2021. Collection method: clinical testing. Allele origin: germline. Affected: yes.
Comment: Has not been previously published as pathogenic or benign to our knowledge; Not observed at significant frequency in large population cohorts (gnomAD); In silico analysis supports that this missense variant has a deleterious effect on protein structure/function